The following is an entry in ClinVar:

NM_001386795.1(DTNA):c.828C>T (p.Ala276=)

Gene: DTNA (dystrobrevin alpha; plus strand). Cytogenetic location: 18q12.1.
Variant type: single nucleotide variant.
Coding change: c.828C>T on transcript NM_001386795.1 (MANE Select); coding-DNA position 828, C replaced by T.
Protein change: p.Ala276=; no amino-acid change (alanine 276 retained).
Molecular consequence: synonymous variant. On other transcripts: intron variant (1).
Genome position (GRCh38, 1-based): chr18:34,818,282, C>T. VCF-style: chr18-34818282-C-T. GRCh37 (hg19) VCF-style: chr18-32398246-C-T.
Other names: c.828C>T, p.Ala276= (NM_001128175.2, NM_001198938.2, NM_001198939.2 and 34 more transcripts); c.78C>T, p.Ala26= (NM_001198943.1); c.603+6169C>T (NM_001198945.2).
Identifiers: ClinVar variation 633194 (VCV000633194.10), dbSNP rs756146461, ClinGen allele CA8935468.
Genomic context (GRCh38, chr18:34,818,282, plus strand): 5'-CCGATGCCAACAGTGTCACAATTACCAGCTCTGTCAGGACTGCTTCTGGAGGGGACATGC[C>T]GGTGGTTCTCATAGCAACCAGCACCAAATGAAAGAGTACACGTCATGGGTAAGGCAAGGT-3'
Protein context (NP_001373724.1, residues 266-286): LCQDCFWRGH[Ala276=]GGSHSNQHQM

ClinVar aggregate classification (germline): Likely benign. Review status: criteria provided, multiple submitters, no conflicts (2 of 4 stars). 3 submissions from 3 submitters: Likely benign (3). Last evaluated 2026-09-09.

Conditions:
DTNA-related disorder. Also called: DTNA-related condition.
Left ventricular noncompaction 1 (LVNC1). Also called: LEFT VENTRICULAR NONCOMPACTION 1 WITH OR WITHOUT CONGENITAL HEART DEFECTS. Identifiers: Orphanet 54260, MedGen C1858725, MONDO:0011403, OMIM 604169.

Allele frequency attached by ClinVar (database versions not stated): TOPMed 0.00005.
gnomAD v4.1: 20 of 1,614,002 alleles (0.0012%); highest among the groups gnomAD compares: East Asian, 0.0089%; no homozygotes.

Submissions (3):

PreventionGenetics, part of Exact Sciences
Classification: Likely benign for DTNA-related condition. Last evaluated: 2026-09-09. Review status: criteria provided, single submitter. Criteria: ACMG Guidelines, 2015. Collection method: clinical testing. Allele origin: germline.
Comment: This variant is classified as likely benign based on ACMG/AMP sequence variant interpretation guidelines (Richards et al. 2015 PMID: 25741868, with internal and published modifications).

Labcorp Genetics (formerly Invitae), Labcorp
Classification: Likely benign for Left ventricular noncompaction 1. Last evaluated: 2025-05-16. Review status: criteria provided, single submitter. Criteria: Invitae Variant Classification Sherloc (09022015). Collection method: clinical testing. Allele origin: germline.

Women's Health and Genetics/Laboratory Corporation of America, LabCorp
Classification: Likely benign. Last evaluated: 2019-08-28. Review status: criteria provided, single submitter. Criteria: LabCorp Variant Classification Summary - May 2015. Collection method: clinical testing. Allele origin: germline.